The following is an entry in ClinVar:

NM_006231.4(POLE):c.1208T>C (p.Ile403Thr)

Gene: POLE (DNA polymerase epsilon, catalytic subunit; minus strand). Cytogenetic location: 12q24.33.
Variant type: single nucleotide variant.
Coding change: c.1208T>C on transcript NM_006231.4 (MANE Select); coding-DNA position 1208, T replaced by C.
Protein change: p.Ile403Thr; replaces isoleucine 403 with threonine.
Molecular consequence: missense variant.
Genome position (GRCh38, 1-based): chr12:132,675,416, A>G on the plus strand (T>C on the coding strand, the complement: POLE is on the minus strand). VCF-style: chr12-132675416-A-G. GRCh37 (hg19) VCF-style: chr12-133252002-A-G.
Other names: short protein forms I403T.
Identifiers: ClinVar variation 3422142 (VCV003422142.1).

ClinVar aggregate classification (germline): Uncertain significance (1 of 4 stars; one submission).

Conditions:
Hereditary cancer-predisposing syndrome. Also called: Neoplastic Syndromes, Hereditary; Tumor predisposition; Hereditary Cancer Syndrome; Hereditary neoplastic syndrome. Identifiers: Orphanet 140162, MedGen C0027672, MeSH D009386, MONDO:0015356.

Submission:

Ambry Genetics
Classification: Uncertain significance for Hereditary cancer-predisposing syndrome. Last evaluated: 2024-08-24. Review status: criteria provided, single submitter. Criteria: Ambry Variant Classification Scheme 2023. Collection method: clinical testing. Allele origin: germline.
Comment: The p.I403T variant (also known as c.1208T>C), located in coding exon 12 of the POLE gene, results from a T to C substitution at nucleotide position 1208. The isoleucine at codon 403 is replaced by threonine, an amino acid with similar properties. This amino acid position is conserved. In addition, the in silico prediction for this alteration is inconclusive. Based on the available evidence, the clinical significance of this variant remains unclear.